The following is an entry in ClinVar:

ClinVar aggregate classification (germline): Uncertain significance (0 of 4 stars; one submission).

Conditions:
DYRK1B-related disorder. Also called: DYRK1B-related condition.

gnomAD v4.1: 15 of 1,602,706 alleles (0.00094%); highest among the groups gnomAD compares: African/African-American, 0.0054%; no homozygotes.

Submission:

PreventionGenetics, part of Exact Sciences
Classification: Uncertain significance for DYRK1B-related condition. Last evaluated: 2024-09-16. Review status: no assertion criteria provided. Collection method: clinical testing. Allele origin: germline.
Comment: The DYRK1B c.1742C>T variant is predicted to result in the amino acid substitution p.Ala581Val. To our knowledge, this variant has not been reported in the literature. This variant is reported in 0.0020% of alleles in individuals of European (Non-Finnish) descent in gnomAD. At this time, the clinical significance of this variant is uncertain due to the absence of conclusive functional and genetic evidence.

NM_004714.3(DYRK1B):c.1742C>T (p.Ala581Val)

Gene: DYRK1B (dual specificity tyrosine phosphorylation regulated kinase 1B; minus strand). Cytogenetic location: 19q13.2.
Variant type: single nucleotide variant.
Coding change: c.1742C>T on transcript NM_004714.3 (MANE Select); coding-DNA position 1742, C replaced by T.
Protein change: p.Ala581Val; replaces alanine 581 with valine.
Molecular consequence: missense variant.
Genome position (GRCh38, 1-based): chr19:39,825,863, G>A on the plus strand (C>T on the coding strand, the complement: DYRK1B is on the minus strand). VCF-style: chr19-39825863-G-A. GRCh37 (hg19) VCF-style: chr19-40316503-G-A.
Other names: c.1622C>T, p.Ala541Val (NM_006483.3); c.1658C>T, p.Ala553Val (NM_006484.3); short protein forms A541V, A553V, A581V.
Identifiers: ClinVar variation 3355256 (VCV003355256.1).